The following is an entry in ClinVar:

ClinVar aggregate classification (germline): Benign/Likely benign. Review status: criteria provided, multiple submitters, no conflicts (2 of 4 stars). 10 submissions from 10 submitters: Benign (1); Likely benign (9). Last evaluated 2026-01-18.

Conditions:
PALB2-related disorder. Also called: PALB2-related condition; PALB2-related disorders.
Hereditary cancer-predisposing syndrome. Also called: Neoplastic Syndromes, Hereditary; Tumor predisposition; Hereditary neoplastic syndrome; Hereditary Cancer Syndrome. Identifiers: Orphanet 140162, MedGen C0027672, MeSH D009386, MONDO:0015356.
Hereditary breast ovarian cancer syndrome. Also called: Hereditary breast and/or ovarian cancer syndrome; Hereditary breast and ovarian cancer syndrome; Hereditary breast and ovarian cancer; Hereditary breast and ovarian cancer syndrome (HBOC); Breast and ovarian cancer; BRCA1- and BRCA2-Associated Hereditary Breast and Ovarian Cancer. Identifiers: Orphanet 145, MedGen C0677776, MeSH D061325, MONDO:0003582. Disease mechanism: loss of function.
Familial cancer of breast. Also called: Hereditary breast cancer; BREAST CANCER, FAMILIAL; hereditary breast carcinoma. Identifiers: Orphanet 227535, MedGen C0346153, MONDO:0016419, OMIM 114480. Disease mechanism: loss of function.

Allele frequency attached by ClinVar (database versions not stated): gnomAD 0.00001; gnomAD exomes 0.00001 and 0.00005; TOPMed 0.00002; ExAC 0.00003.
gnomAD v4.1: 10 of 1,614,050 alleles (0.00062%); highest among the groups gnomAD compares: East Asian, 0.022%; no homozygotes.

Submissions (10):

Labcorp Genetics (formerly Invitae), Labcorp
Classification: Likely benign for Familial cancer of breast. Last evaluated: 2026-01-18. Review status: criteria provided, single submitter. Criteria: Invitae Variant Classification Sherloc (09022015). Collection method: clinical testing. Allele origin: germline.

PreventionGenetics, part of Exact Sciences
Classification: Likely benign for PALB2-related condition. Last evaluated: 2025-02-24. Review status: criteria provided, single submitter. Criteria: ACMG Guidelines, 2015. Collection method: clinical testing. Allele origin: germline.
Comment: This variant is classified as likely benign based on ACMG/AMP sequence variant interpretation guidelines (Richards et al. 2015 PMID: 25741868, with internal and published modifications).

Myriad Genetics, Inc.
Classification: Benign for Familial cancer of breast. Last evaluated: 2025-01-21. Review status: criteria provided, single submitter. Criteria: Myriad Autosomal Dominant, Autosomal Recessive and X-Linked Classification Criteria (2023). Collection method: clinical testing. Allele origin: unknown.
Comment: This variant is considered benign. This variant is a silent/synonymous amino acid change and it is not expected to impact splicing.

Quest Diagnostics Nichols Institute San Juan Capistrano
Classification: Likely benign. Last evaluated: 2023-06-06. Review status: criteria provided, single submitter. Criteria: Quest Diagnostics criteria. Collection method: clinical testing. Allele origin: unknown.

Department of Pathology and Laboratory Medicine, Sinai Health System
Classification: Likely benign for Hereditary breast ovarian cancer syndrome. Last evaluated: 2023-03-06. Review status: criteria provided, single submitter. Criteria: ACMG Guidelines, 2015. Collection method: clinical testing. Allele origin: germline. Affected: yes.

Sema4
Classification: Likely benign for Hereditary cancer-predisposing syndrome. Last evaluated: 2020-10-30. Review status: criteria provided, single submitter. Criteria: Sema4 Curation Guidelines. Collection method: curation. Allele origin: germline.

Genetic Services Laboratory, University of Chicago
Classification: Likely benign. Last evaluated: 2019-04-25. Review status: criteria provided, single submitter. Criteria: ACMG Guidelines, 2015. Collection method: clinical testing. Allele origin: germline. Affected: no.

GeneDx
Classification: Likely benign. Last evaluated: 2017-09-28. Review status: criteria provided, single submitter. Criteria: GeneDx Variant Classification (06012015). Collection method: clinical testing. Allele origin: germline. Affected: yes.
Comment: This variant is considered likely benign or benign based on one or more of the following criteria: it is a conservative change, it occurs at a poorly conserved position in the protein, it is predicted to be benign by multiple in silico algorithms, and/or has population frequency not consistent with disease.

Ambry Genetics
Classification: Likely benign for Hereditary cancer-predisposing syndrome. Last evaluated: 2015-12-11. Review status: criteria provided, single submitter. Criteria: Ambry Variant Classification Scheme 2023. Collection method: clinical testing. Allele origin: germline.

Color Diagnostics, LLC DBA Color Health
Classification: Likely benign for Hereditary cancer-predisposing syndrome. Last evaluated: 2015-11-02. Review status: criteria provided, single submitter. Criteria: ACMG Guidelines, 2015. Collection method: clinical testing. Allele origin: germline.

NM_024675.4(PALB2):c.2955T>G (p.Ser985=)

Gene: PALB2 (partner and localizer of BRCA2; minus strand). Cytogenetic location: 16p12.2.
Variant type: single nucleotide variant.
Coding change: c.2955T>G on transcript NM_024675.4 (MANE Select); coding-DNA position 2955, T replaced by G.
Protein change: p.Ser985=; no amino-acid change (serine 985 retained).
Molecular consequence: synonymous variant.
Genome position (GRCh38, 1-based): chr16:23,623,010, A>C on the plus strand (T>G on the coding strand, the complement: PALB2 is on the minus strand). VCF-style: chr16-23623010-A-C. GRCh37 (hg19) VCF-style: chr16-23634331-A-C.
Identifiers: ClinVar variation 184129 (VCV000184129.25), dbSNP rs765643734, ClinGen allele CA187878.